The following is an entry in ClinVar:

ClinVar aggregate classification (germline): Uncertain significance (1 of 4 stars; one submission).

Conditions:
Inborn genetic diseases. Identifiers: MedGen C0950123, MeSH D030342.

Submission:

Ambry Genetics
Classification: Uncertain significance for Inborn genetic diseases. Last evaluated: 2024-12-13. Review status: criteria provided, single submitter. Criteria: Ambry Variant Classification Scheme 2023. Collection method: clinical testing. Allele origin: germline.
Comment: The c.2254T>G (p.F752V) alteration is located in exon 16 (coding exon 16) of the CACNA1D gene. This alteration results from a T to G substitution at nucleotide position 2254, causing the phenylalanine (F) at amino acid position 752 to be replaced by a valine (V). This variant was not reported in population-based cohorts in the Genome Aggregation Database (gnomAD). This amino acid position is highly conserved in available vertebrate species. This alteration is predicted to be deleterious by in silico analysis. Based on insufficient or conflicting evidence, the clinical significance of this alteration remains unclear.

NM_001128840.3(CACNA1D):c.2194T>G (p.Phe732Val)

Gene: CACNA1D (calcium voltage-gated channel subunit alpha1 D; plus strand). Cytogenetic location: 3p21.1.
Variant type: single nucleotide variant.
Coding change: c.2194T>G on transcript NM_001128840.3 (MANE Select); coding-DNA position 2194, T replaced by G.
Protein change: p.Phe732Val; replaces phenylalanine 732 with valine.
Molecular consequence: missense variant.
Genome position (GRCh38, 1-based): chr3:53,726,972, T>G. VCF-style: chr3-53726972-T-G. GRCh37 (hg19) VCF-style: chr3-53760999-T-G.
Other names: c.2254T>G, p.Phe752Val (NM_000720.4); c.2194T>G, p.Phe732Val (NM_001128839.3); short protein forms F732V, F752V.
Identifiers: ClinVar variation 3483976 (VCV003483976.2).